The following is an entry in ClinVar:

ClinVar aggregate classification (germline): Uncertain significance. Review status: criteria provided, multiple submitters, no conflicts (2 of 4 stars). 2 submissions from 2 submitters: Uncertain significance (2). Last evaluated 2024-10-25.

Conditions:
Temtamy preaxial brachydactyly syndrome (TPBS). Identifiers: Orphanet 363417, MedGen C1854466, MONDO:0011533, OMIM 605282.
Inborn genetic diseases. Identifiers: MedGen C0950123, MeSH D030342.

Allele frequency attached by ClinVar (database versions not stated): TOPMed below 0.00001; gnomAD exomes 0.00001.
gnomAD v4.1: 19 of 1,614,230 alleles (0.0012%); highest among the groups gnomAD compares: Non-Finnish European, 0.0015%; no homozygotes.

Submissions (2):

Ambry Genetics
Classification: Uncertain significance for Inborn genetic diseases. Last evaluated: 2024-10-25. Review status: criteria provided, single submitter. Criteria: Ambry Variant Classification Scheme 2023. Collection method: clinical testing. Allele origin: germline.

Labcorp Genetics (formerly Invitae), Labcorp
Classification: Uncertain significance for Temtamy preaxial brachydactyly syndrome. Last evaluated: 2022-02-24. Review status: criteria provided, single submitter. Criteria: Invitae Variant Classification Sherloc (09022015). Collection method: clinical testing. Allele origin: germline.
Comment: In summary, the available evidence is currently insufficient to determine the role of this variant in disease. Therefore, it has been classified as a Variant of Uncertain Significance. Algorithms developed to predict the effect of missense changes on protein structure and function (SIFT, PolyPhen-2, Align-GVGD) all suggest that this variant is likely to be tolerated. ClinVar contains an entry for this variant (Variation ID: 1057024). This variant has not been reported in the literature in individuals affected with CHSY1-related conditions. This variant is not present in population databases (gnomAD no frequency). This sequence change replaces asparagine, which is neutral and polar, with aspartic acid, which is acidic and polar, at codon 677 of the CHSY1 protein (p.Asn677Asp).

NM_014918.5(CHSY1):c.2029A>G (p.Asn677Asp)

Gene: CHSY1 (chondroitin sulfate synthase 1; minus strand). Cytogenetic location: 15q26.3.
Variant type: single nucleotide variant.
Coding change: c.2029A>G on transcript NM_014918.5 (MANE Select); coding-DNA position 2029, A replaced by G.
Protein change: p.Asn677Asp; replaces asparagine 677 with aspartic acid.
Molecular consequence: missense variant.
Genome position (GRCh38, 1-based): chr15:101,177,768, T>C on the plus strand (A>G on the coding strand, the complement: CHSY1 is on the minus strand). VCF-style: chr15-101177768-T-C. GRCh37 (hg19) VCF-style: chr15-101717973-T-C.
Other names: c.2029A>G (NM_014918.4); short protein forms N677D.
Identifiers: ClinVar variation 1057024 (VCV001057024.10), dbSNP rs747715647, ClinGen allele CA275639005.